The following is an entry in ClinVar:

NM_001080512.3(BICC1):c.1997C>T (p.Thr666Met)

Gene: BICC1 (BicC family RNA binding protein 1; plus strand). Cytogenetic location: 10q21.1.
Variant type: single nucleotide variant.
Coding change: c.1997C>T on transcript NM_001080512.3 (MANE Select); coding-DNA position 1997, C replaced by T.
Protein change: p.Thr666Met; replaces threonine 666 with methionine.
Molecular consequence: missense variant.
Genome position (GRCh38, 1-based): chr10:58,801,028, C>T. VCF-style: chr10-58801028-C-T. GRCh37 (hg19) VCF-style: chr10-60560788-C-T.
Other names: c.1997C>T (NM_001080512.2); short protein forms T666M.
Identifiers: ClinVar variation 2227409 (VCV002227409.4), dbSNP rs139193189, ClinGen allele CA5508657.

ClinVar aggregate classification (germline): Conflicting classifications of pathogenicity. Review status: criteria provided, conflicting classifications (1 of 4 stars). 3 submissions from 3 submitters: Uncertain significance (2); Likely benign (1). Last evaluated 2026-03-19.

Conditions:
Renal dysplasia, cystic, susceptibility to. Identifiers: MedGen C3275898, MONDO:0011037, OMIM 601331.
BICC1-related disorder. Also called: BICC1-related condition.

Allele frequency attached by ClinVar (database versions not stated): 1000 Genomes Project 30x 0.00016; TOPMed 0.00019; 1000 Genomes Project 0.00020; ExAC 0.00025; gnomAD 0.00026; ESP Exome Variant Server 0.00046.
gnomAD v4.1: 372 of 1,605,382 alleles (0.023%); highest among the groups gnomAD compares: Middle Eastern, 0.1%; no homozygotes.

Submissions (3):

PreventionGenetics, part of Exact Sciences
Classification: Likely benign for BICC1-related condition. Last evaluated: 2026-03-19. Review status: criteria provided, single submitter. Criteria: ACMG Guidelines, 2015. Collection method: clinical testing. Allele origin: germline.
Comment: This variant is classified as likely benign based on ACMG/AMP sequence variant interpretation guidelines (Richards et al. 2015 PMID: 25741868, with internal and published modifications).

Fulgent Genetics
Classification: Uncertain significance for Renal dysplasia, cystic, susceptibility to. Last evaluated: 2024-03-28. Review status: criteria provided, single submitter. Criteria: ACMG Guidelines, 2015. Collection method: clinical testing. Allele origin: germline.

Ambry Genetics
Classification: Uncertain significance. Last evaluated: 2021-08-23. Review status: criteria provided, single submitter. Criteria: Ambry Variant Classification Scheme 2023. Collection method: clinical testing. Allele origin: germline.